The following is an entry in ClinVar:

ClinVar aggregate classification (germline): Likely pathogenic (1 of 4 stars; one submission).

Conditions:
Breast-ovarian cancer, familial, susceptibility to, 3. Also called: RAD51C-Related Breast/Ovarian Cancer. Identifiers: Orphanet 145, MedGen C3150659, MONDO:0013253, OMIM 613399.

Submission:

Institute of Human Genetics, University of Leipzig Medical Center
Classification: Likely pathogenic for Breast-ovarian cancer, familial, susceptibility to, 3. Last evaluated: 2022-01-27. Review status: criteria provided, single submitter. Criteria: ACMG Guidelines, 2015. Collection method: clinical testing. Allele origin: unknown. Affected: yes.
Comment: _x000D_ Criteria applied: PVS1_STR, PS4_SUP, PM2_SUP

NM_058216.3:c.(705+1_706-1)_(1131+1_?)del

Gene: RAD51C (RAD51 paralog C; plus strand).
Variant type: Deletion.
Other names: c.(705+1_706-1)_(1131+1_?)del (NM_058216.3).
Identifiers: ClinVar variation 1338807 (VCV001338807.1).